The following is an entry in ClinVar:

ClinVar aggregate classification (germline): Conflicting classifications of pathogenicity. Review status: criteria provided, conflicting classifications (1 of 4 stars). 6 submissions from 6 submitters: Uncertain significance (5); Benign (1). Last evaluated 2026-01-17.

Conditions:
Hereditary cancer-predisposing syndrome. Also called: Neoplastic Syndromes, Hereditary; Tumor predisposition; Hereditary Cancer Syndrome; Hereditary neoplastic syndrome. Identifiers: Orphanet 140162, MedGen C0027672, MeSH D009386, MONDO:0015356.
Tuberous sclerosis syndrome (TSC). Also called: Tuberous Sclerosis Complex; Tuberous sclerosis. Identifiers: Orphanet 805, MedGen C0041341, MONDO:0001734.
Tuberous sclerosis 2 (TSC2). Identifiers: Orphanet 805, MedGen C1860707, MONDO:0013199, OMIM 613254.

Allele frequency attached by ClinVar (database versions not stated): gnomAD exomes below 0.00001; TOPMed below 0.00001; gnomAD 0.00001.
gnomAD v4.1: 3 of 1,612,892 alleles (0.00019%); highest among the groups gnomAD compares: Non-Finnish European, 0.00025%; no homozygotes.

Submissions (6):

Labcorp Genetics (formerly Invitae), Labcorp
Classification: Benign for Tuberous sclerosis 2. Last evaluated: 2026-01-17. Review status: criteria provided, single submitter. Criteria: Invitae Variant Classification Sherloc (09022015). Collection method: clinical testing. Allele origin: germline.

Color Diagnostics, LLC DBA Color Health
Classification: Uncertain significance for Tuberous sclerosis syndrome. Last evaluated: 2025-06-12. Review status: criteria provided, single submitter. Criteria: ACMG Guidelines, 2015. Collection method: clinical testing. Allele origin: germline.
Comment: This missense variant replaces proline with serine at codon 1162 of the TSC2 protein. Computational prediction is inconclusive regarding the impact of this variant on protein structure and function. To our knowledge, functional studies have not been reported for this variant. This variant has not been reported in individuals affected with TSC2-related disorders in the literature. This variant has not been identified in the general population by the Genome Aggregation Database (gnomAD). The available evidence is insufficient to determine the role of this variant in disease conclusively. Therefore, this variant is classified as a Variant of Uncertain Significance.

Ambry Genetics
Classification: Uncertain significance for Hereditary cancer-predisposing syndrome. Last evaluated: 2025-03-13. Review status: criteria provided, single submitter. Criteria: Ambry Variant Classification Scheme 2023. Collection method: clinical testing. Allele origin: germline.
Comment: The p.P1162S variant (also known as c.3484C>T), located in coding exon 29 of the TSC2 gene, results from a C to T substitution at nucleotide position 3484. In one study, this alteration was identified in one individual from a cohort of patients with clinically suspected TSC; the study did not specify the patient's clinical features (Meng Y et al. J Hum Genet, 2021 Mar;66:227-236). The proline at codon 1162 is replaced by serine, an amino acid with similar properties. This amino acid position is well conserved in available vertebrate species. In addition, the in silico prediction for this alteration is inconclusive. Based on the available evidence, the clinical significance of this variant remains unclear.

Blueprint Genetics
Classification: Uncertain significance. Last evaluated: 2023-09-29. Review status: criteria provided, single submitter. Criteria: ACMG Guidelines, 2015. Collection method: clinical testing. Allele origin: germline.

Genome-Nilou Lab
Classification: Uncertain significance for Tuberous sclerosis 2. Last evaluated: 2021-11-07. Review status: criteria provided, single submitter. Criteria: ACMG Guidelines, 2015. Collection method: clinical testing. Allele origin: germline. Affected: no.

GeneDx
Classification: Uncertain significance. Last evaluated: 2019-05-23. Review status: criteria provided, single submitter. Criteria: GeneDx Variant Classification Process June 2021. Collection method: clinical testing. Allele origin: germline. Affected: yes.
Comment: Not observed in large population cohorts (Lek et al., 2016); In silico analysis, which includes protein predictors and evolutionary conservation, supports that this variant does not alter protein structure/function; Has not been previously published as pathogenic or benign to our knowledge; This substitution does not occur within known functional domains of the tuberin protein, where many pathogenic missense variants have been identified (Northrup et al., 2018; Au et al., 2007)

Literature cited by the submitters: PubMed 32917966 (cited by Ambry Genetics).

NM_000548.5(TSC2):c.3484C>T (p.Pro1162Ser)

Gene: TSC2 (TSC complex subunit 2; plus strand). Cytogenetic location: 16p13.3.
Variant type: single nucleotide variant.
Coding change: c.3484C>T on transcript NM_000548.5 (MANE Select); coding-DNA position 3484, C replaced by T.
Protein change: p.Pro1162Ser; replaces proline 1162 with serine.
Molecular consequence: missense variant.
Genome position (GRCh38, 1-based): chr16:2,080,251, C>T. VCF-style: chr16-2080251-C-T. GRCh37 (hg19) VCF-style: chr16-2130252-C-T.
Other names: c.3352C>T, p.Pro1118Ser (NM_001077183.3, NM_001370404.1); c.3484C>T, p.Pro1162Ser (NM_001114382.3); c.3244C>T, p.Pro1082Ser (NM_001318827.2); c.3208C>T, p.Pro1070Ser (NM_001318829.2); c.2752C>T, p.Pro918Ser (NM_001318831.2); c.3385C>T, p.Pro1129Ser (NM_001318832.2); c.3355C>T, p.Pro1119Ser (NM_001363528.2, NM_001370405.1, NM_021055.3); short protein forms P1162S, P1070S, P1119S, P1082S, P1118S, P1129S, P918S.
Identifiers: ClinVar variation 406071 (VCV000406071.20), dbSNP rs895935495, ClinGen allele CA16614779.
Genomic context (GRCh38, chr16:2,080,251, plus strand): 5'-CTGGACGTGCCGGCCTCCCAGTTCCTGGGCAGTGCCACTTCTCCAGGACCACGGACTGCA[C>T]CAGCCGCGAAACCTGAGAAGGCCTCAGCTGGCACCCGGGTTCCTGTGCAGGAGAAGACGA-3'
Protein context (NP_000539.2, residues 1152-1172): SATSPGPRTA[Pro1162Ser]AAKPEKASAG